The following is an entry in ClinVar:

ClinVar aggregate classification (germline): Likely benign. Review status: reviewed by expert panel (3 of 4 stars). 3 submissions from 3 submitters: Likely benign (1). 2 of the submissions do not count toward it. Last evaluated 2024-08-16.

Conditions:
Hereditary antithrombin deficiency (AT3D). Also called: Antithrombin III deficiency; Thrombophilia due to antithrombin III deficiency; Antithrombin deficiency; Reduced antithrombin III activity. Identifiers: Orphanet 82, MedGen C0272375, MONDO:0013144, OMIM 613118, HP:0001976.

Allele frequency attached by ClinVar (database versions not stated): gnomAD 0.00003 and 0.00005; gnomAD exomes 0.00004 and 0.00002; TOPMed 0.00004; ExAC 0.00007; 1000 Genomes Project 30x 0.00016; 1000 Genomes Project 0.00020.
gnomAD v4.1: 42 of 1,614,212 alleles (0.0026%); highest among the groups gnomAD compares: Non-Finnish European, 0.0035%; no homozygotes.

Submissions (3):

Clingen Thrombosis Variant Curation Expert Panel, ClinGen
Classification: Likely benign for Hereditary antithrombin deficiency. Last evaluated: 2024-08-16. Review status: reviewed by expert panel. Criteria: ClinGen ACMG Specifications SERPINC1 V1.0.0. Collection method: curation. Allele origin: germline. Inheritance: Autosomal dominant inheritance.
Comment: The c.594T>C (NM_000488.4) variant in SERPINC1 does not code for a different amino acid (p.Tyr198=). SpliceAI predicts no splicing impact for this variant meeting BP4. The variant is not predicted to cause a splicing impact and the nucleotide is weakly/moderately conserved with a PhyloP score of 0.025 meeting BP7 criteria (PhyloP < 0.1). In summary, this variant meets criteria to be classified as likely benign. ACMG/AMP criteria applied, as specified by the Thrombosis Variant Curation Expert Panel for SERPINC1: BP4, BP7.

Labcorp Genetics (formerly Invitae), Labcorp
Classification: Likely benign for Hereditary antithrombin deficiency. Last evaluated: 2025-06-24. Review status: criteria provided, single submitter. Criteria: Invitae Variant Classification Sherloc (09022015). Collection method: clinical testing. Allele origin: germline. Not counted in ClinVar's aggregate classification.

Illumina Laboratory Services, Illumina
Classification: Uncertain significance for Hereditary antithrombin deficiency. Last evaluated: 2018-01-13. Review status: criteria provided, single submitter. Criteria: ICSL Variant Classification Criteria 13 December 2019. Collection method: clinical testing. Allele origin: germline. Not counted in ClinVar's aggregate classification.

NM_000488.4(SERPINC1):c.594T>C (p.Tyr198=)

Gene: SERPINC1 (serpin family C member 1; minus strand). Cytogenetic location: 1q25.1.
Variant type: single nucleotide variant.
Coding change: c.594T>C on transcript NM_000488.4 (MANE Select); coding-DNA position 594, T replaced by C.
Protein change: p.Tyr198=; no amino-acid change (tyrosine 198 retained).
Molecular consequence: synonymous variant. On other transcripts: intron variant (1).
Genome position (GRCh38, 1-based): chr1:173,911,829, A>G on the plus strand (T>C on the coding strand, the complement: SERPINC1 is on the minus strand). VCF-style: chr1-173911829-A-G. GRCh37 (hg19) VCF-style: chr1-173880967-A-G.
Other names: NM_000488.4(SERPINC1):c.594T>C; p.Tyr198=; c.450T>C, p.Tyr150= (NM_001365052.2); c.594T>C, p.Tyr198= (NM_001386302.1, NM_001386304.1, NM_001386305.1); c.675T>C, p.Tyr225= (NM_001386303.1); c.409-938T>C (NM_001386306.1).
Identifiers: ClinVar variation 529743 (VCV000529743.13), dbSNP rs183416252, ClinGen allele CA1251397.